The following is an entry in ClinVar:

ClinVar aggregate classification (germline): Likely pathogenic (1 of 4 stars; one submission).

Conditions:
Developmental and epileptic encephalopathy 94 (DEE94). Also called: CHD2-Related Neurodevelopmental Disorders; Epileptic encephalopathy, childhood-onset. Identifiers: Orphanet 1942, Orphanet 2382, MedGen C3809278, MONDO:0014150, OMIM 615369.

Submission:

Labcorp Genetics (formerly Invitae), Labcorp
Classification: Likely pathogenic for Developmental and epileptic encephalopathy 94. Last evaluated: 2022-11-08. Review status: criteria provided, single submitter. Criteria: Invitae Variant Classification Sherloc (09022015). Collection method: clinical testing. Allele origin: germline.
Comment: Algorithms developed to predict the effect of sequence changes on RNA splicing suggest that this variant may disrupt the consensus splice site. In summary, the currently available evidence indicates that the variant is pathogenic, but additional data are needed to prove that conclusively. Therefore, this variant has been classified as Likely Pathogenic. This variant has not been reported in the literature in individuals affected with CHD2-related conditions. This variant is not present in population databases (gnomAD no frequency). This sequence change affects an acceptor splice site in intron 26 of the CHD2 gene. It is expected to disrupt RNA splicing. Variants that disrupt the donor or acceptor splice site typically lead to a loss of protein function (PMID: 16199547), and loss-of-function variants in CHD2 are known to be pathogenic (PMID: 23708187, 24207121).

Literature cited by the submitters: PubMed 16199547; PubMed 23708187; PubMed 24207121.

NM_001271.4(CHD2):c.3414-2A>G

Gene: CHD2 (chromodomain helicase DNA binding protein 2; plus strand). Cytogenetic location: 15q26.1.
Variant type: single nucleotide variant.
Coding change: c.3414-2A>G on transcript NM_001271.4 (MANE Select); the canonical splice acceptor site of the intron before coding-DNA position 3414, A replaced by G.
Molecular consequence: splice acceptor variant.
Genome position (GRCh38, 1-based): chr15:92,991,474, A>G. VCF-style: chr15-92991474-A-G. GRCh37 (hg19) VCF-style: chr15-93534704-A-G.
Identifiers: ClinVar variation 2812599 (VCV002812599.3), dbSNP rs2505576912, ClinGen allele CA393895997.